The following is an entry in ClinVar:

ClinVar aggregate classification (germline): Pathogenic/Likely pathogenic. Review status: criteria provided, multiple submitters, no conflicts (2 of 4 stars). 9 submissions from 8 submitters: Pathogenic (6); Likely pathogenic (1). 2 of the submissions do not count toward it. Last evaluated 2025-12-19.

Conditions:
ERCC2-related disorder. Also called: ERCC2-related conditions; ERCC2-related condition; ERCC2-related disorders. Identifiers: MedGen CN239291.
Trichothiodystrophy 1, photosensitive (TTD1). Also called: TAY SYNDROME; TRICHOTHIODYSTROPHY WITH CONGENITAL ICHTHYOSIS; PIBIDS SYNDROME. Identifiers: Orphanet 33364, MedGen C1866504, MONDO:0011125, OMIM 601675.
Xeroderma pigmentosum, group D (XPD). Also called: XP, GROUP H; XERODERMA PIGMENTOSUM, COMPLEMENTATION GROUP D; ERCC2-Related Xeroderma Pigmentosum; XERODERMA PIGMENTOSUM IV; XP, GROUP D. Identifiers: MedGen C0268138, MONDO:0010212, OMIM 278730.
Cerebrooculofacioskeletal syndrome 2 (COFS2). Identifiers: MedGen C1853102, MONDO:0012553, OMIM 610756.

Allele frequency attached by ClinVar (database versions not stated): gnomAD exomes 0.00002; ExAC 0.00003; TOPMed 0.00004; gnomAD 0.00005 and 0.00006.

Submissions (9):

Dasa
Classification: Likely pathogenic. Last evaluated: 2025-12-19. Review status: criteria provided, single submitter. Criteria: DASA Assertion Criteria. Collection method: clinical testing. Allele origin: germline.
Comment: NM_000400.4(ERCC2):c.335G>A (p.Arg112His) is a missense variant that results in the substitution of arginine with histidine. This variant has been recurrently observed in individuals with ERCC2-related disorders (PMID: 39055713; PMID: 39976384; PMID: 23232694; PMID: 11709541). Functional evidence supports an impact on the gene or gene product. Also, this variant is rare in population databases. Computational evidence supports a deleterious effect. Based on the currently available evidence, this variant is classified as likely pathogenic.

Labcorp Genetics (formerly Invitae), Labcorp
Classification: Pathogenic. Last evaluated: 2025-11-03. Review status: criteria provided, single submitter. Criteria: Invitae Variant Classification Sherloc (09022015). Collection method: clinical testing. Allele origin: germline.
Comment: This sequence change replaces arginine, which is basic and polar, with histidine, which is basic and polar, at codon 112 of the ERCC2 protein (p.Arg112His). This variant is present in population databases (rs121913020, gnomAD 0.008%). This missense change has been observed in individuals with trichothiodystrophy (PMID: 7920640, 9758621). This variant is also known as a G to A mutation at position 413. ClinVar contains an entry for this variant (Variation ID: 16784). Invitae Evidence Modeling of protein sequence and biophysical properties (such as structural, functional, and spatial information, amino acid conservation, physicochemical variation, residue mobility, and thermodynamic stability) indicates that this missense variant is expected to disrupt ERCC2 protein function with a positive predictive value of 80%. Experimental studies have shown that this missense change affects ERCC2 function (PMID: 25431422). For these reasons, this variant has been classified as Pathogenic.

Blueprint Genetics
Classification: Pathogenic for ERCC2-related disorders. Last evaluated: 2024-10-02. Review status: criteria provided, single submitter. Criteria: ACMG Guidelines, 2015. Collection method: clinical testing. Allele origin: germline. Affected: yes. Observed: 2 variant alleles.

Baylor Genetics
Classification: Pathogenic for Cerebrooculofacioskeletal syndrome 2. Last evaluated: 2024-01-16. Review status: criteria provided, single submitter. Criteria: ACMG Guidelines, 2015. Collection method: clinical testing. Allele origin: unknown.

GeneDx
Classification: Pathogenic. Last evaluated: 2022-03-28. Review status: criteria provided, single submitter. Criteria: GeneDx Variant Classification Process June 2021. Collection method: clinical testing. Allele origin: germline. Affected: yes.
Comment: In silico analysis supports that this missense variant has a deleterious effect on protein structure/function; This variant is associated with the following publications: (PMID: 25795128, 12820975, 25897079, 15494306, 18817897, 23232694, 23800062, 12458209, 25431422, 25605938, 10667598, 27982466, 27085493, 27262611, 7920640, 9758621, 25620205, 23221806, 30580289, 33670118)

MGZ Medical Genetics Center
Classification: Pathogenic for Xeroderma pigmentosum, group D. Last evaluated: 2022-01-28. Review status: criteria provided, single submitter. Criteria: ACMG Guidelines, 2015. Collection method: clinical testing. Allele origin: germline. Affected: yes. Observed: 1 variant allele.
Comment: ACMG criteria applied: PS3, PM3_STR, PS4_MOD, PM2_SUP, PP3

CeGaT Center for Human Genetics Tuebingen
Classification: Pathogenic. Last evaluated: 2020-11-01. Review status: criteria provided, single submitter. Criteria: CeGaT Center For Human Genetics Tuebingen Variant Classification Criteria Version 2. Collection method: clinical testing. Allele origin: germline. Affected: yes. Observed: 1 variant allele.

OMIM
Classification: Pathogenic for TRICHOTHIODYSTROPHY 1, PHOTOSENSITIVE. Last evaluated: 2001-10-15. Review status: no assertion criteria provided. Collection method: literature only. Allele origin: germline. Not counted in ClinVar's aggregate classification.

OMIM
Classification: Pathogenic for XERODERMA PIGMENTOSUM, COMPLEMENTATION GROUP D. Last evaluated: 2001-10-15. Review status: no assertion criteria provided. Collection method: literature only. Allele origin: germline. Not counted in ClinVar's aggregate classification.

Literature cited by the submitters: PubMed 39055713 (cited by Dasa); PubMed 39976384 (cited by Dasa); PubMed 23232694 (cited by Dasa); PubMed 11709541 (cited by Dasa and OMIM); PubMed 25431422 (cited by Dasa and Labcorp Genetics (formerly Invitae), Labcorp); PubMed 7920640 (cited by Labcorp Genetics (formerly Invitae), Labcorp); PubMed 9758621 (cited by Labcorp Genetics (formerly Invitae), Labcorp and OMIM).

NM_000400.4(ERCC2):c.335G>A (p.Arg112His)

Gene: ERCC2 (ERCC excision repair 2, TFIIH core complex helicase subunit; minus strand). Cytogenetic location: 19q13.32.
Variant type: single nucleotide variant.
Coding change: c.335G>A on transcript NM_000400.4 (MANE Select); coding-DNA position 335, G replaced by A.
Protein change: p.Arg112His; replaces arginine 112 with histidine.
Molecular consequence: missense variant.
Genome position (GRCh38, 1-based): chr19:45,368,655, C>T on the plus strand (G>A on the coding strand, the complement: ERCC2 is on the minus strand). VCF-style: chr19-45368655-C-T. GRCh37 (hg19) VCF-style: chr19-45871913-C-T.
Other names: c.263G>A, p.Arg88His (NM_001130867.2); short protein forms R112H, R88H.
Identifiers: ClinVar variation 16784 (VCV000016784.56), dbSNP rs121913020, ClinGen allele CA126883.
Genomic context (GRCh38, chr19:45,368,655, plus strand): 5'-TGGGCTAAGGGCAAGGAGAAGGAACAGGTGCTCACCTCAGGGTGAATACACAAGTTTTTG[C>T]GGGAGCTCAGAGCCAGTCCCAGAAACGGCAGCTTCTCGCCCTCCTGCTTCTCATAGAAGT-3'
Protein context (NP_000391.1, residues 102-122): LPFLGLALSS[Arg112His]KNLCIHPEVT